The following is an entry in ClinVar:

NM_000384.3(APOB):c.3496G>A (p.Ala1166Thr)

Gene: APOB (apolipoprotein B; minus strand). Cytogenetic location: 2p24.1.
Variant type: single nucleotide variant.
Coding change: c.3496G>A on transcript NM_000384.3 (MANE Select); coding-DNA position 3496, G replaced by A.
Protein change: p.Ala1166Thr; replaces alanine 1166 with threonine.
Molecular consequence: missense variant.
Genome position (GRCh38, 1-based): chr2:21,015,382, C>T on the plus strand (G>A on the coding strand, the complement: APOB is on the minus strand). VCF-style: chr2-21015382-C-T. GRCh37 (hg19) VCF-style: chr2-21238254-C-T.
Other names: short protein forms A1166T.
Identifiers: ClinVar variation 2931277 (VCV002931277.3), dbSNP rs938330169, ClinGen allele CA346008967.

ClinVar aggregate classification (germline): Uncertain significance (1 of 4 stars; one submission).

Conditions:
Familial hypobetalipoproteinemia 1. Also called: APOB-Related Familial Hypobetalipoproteinemia; Hypobetalipoproteinemia, normotriglyceridemic; Acanthocytosis with hypobetalipoproteinemia. Identifiers: MedGen C4551990, MONDO:0014252, OMIM 615558.
Hypercholesterolemia, autosomal dominant, type B (FHCL2). Also called: Familial Hypercholesterolemia Type B; APOLIPOPROTEIN B-100, FAMILIAL DEFECTIVE; APOLIPOPROTEIN B-100, FAMILIAL LIGAND-DEFECTIVE; HYPERCHOLESTEROLEMIA, FAMILIAL, DUE TO LIGAND-DEFECTIVE APOLIPOPROTEIN B; Hyperlipoproteinemia Type IIb; Familial hypercholesterolemia 2. Identifiers: MedGen C1704417, MONDO:0007751, OMIM 144010.

Submission:

Labcorp Genetics (formerly Invitae), Labcorp
Classification: Uncertain significance for Familial hypobetalipoproteinemia 1; Hypercholesterolemia, autosomal dominant, type B. Last evaluated: 2022-12-09. Review status: criteria provided, single submitter. Criteria: Invitae Variant Classification Sherloc (09022015). Collection method: clinical testing. Allele origin: germline.
Comment: In summary, the available evidence is currently insufficient to determine the role of this variant in disease. Therefore, it has been classified as a Variant of Uncertain Significance. Advanced modeling of protein sequence and biophysical properties (such as structural, functional, and spatial information, amino acid conservation, physicochemical variation, residue mobility, and thermodynamic stability) performed at Invitae indicates that this missense variant is not expected to disrupt APOB protein function. This variant has not been reported in the literature in individuals affected with APOB-related conditions. This variant is not present in population databases (gnomAD no frequency). This sequence change replaces alanine, which is neutral and non-polar, with threonine, which is neutral and polar, at codon 1166 of the APOB protein (p.Ala1166Thr).